The following is an entry in ClinVar:

NM_201599.3(ZMYM3):c.1144A>G (p.Thr382Ala)

Gene: ZMYM3 (zinc finger MYM-type containing 3; minus strand). Cytogenetic location: Xq13.1.
Variant type: single nucleotide variant.
Coding change: c.1144A>G on transcript NM_201599.3 (MANE Select); coding-DNA position 1144, A replaced by G.
Protein change: p.Thr382Ala; replaces threonine 382 with alanine.
Molecular consequence: missense variant.
Genome position (GRCh38, 1-based): chrX:71,250,133, T>C on the plus strand (A>G on the coding strand, the complement: ZMYM3 is on the minus strand). VCF-style: chrX-71250133-T-C. GRCh37 (hg19) VCF-style: chrX-70469983-T-C.
Other names: c.1144A>G, p.Thr382Ala (NM_001171162.1, NM_001171163.1, NM_005096.3); short protein forms T382A.
Identifiers: ClinVar variation 2636932 (VCV002636932.1), dbSNP rs2519837951, ClinGen allele CA413522055.

ClinVar aggregate classification (germline): Uncertain significance (1 of 4 stars; one submission).

Conditions:
ZMYM3-related disorder. Also called: ZMYM3-related condition.

Allele frequency attached by ClinVar (database versions not stated): gnomAD exomes below 0.00001.
gnomAD v4.1: 1 of 1,206,803 alleles (0.000083%); highest among the groups gnomAD compares: Non-Finnish European, 0.00011%; no homozygotes.

Submission:

PreventionGenetics, part of Exact Sciences
Classification: Uncertain significance for ZMYM3-related condition. Last evaluated: 2022-11-10. Review status: criteria provided, single submitter. Criteria: ACMG Guidelines, 2015. Collection method: clinical testing. Allele origin: germline.
Comment: The ZMYM3 c.1144A>G variant is predicted to result in the amino acid substitution p.Thr382Ala. To our knowledge, this variant has not been reported in the literature or in a large population database, indicating this variant is rare. At this time, the clinical significance of this variant is uncertain due to the absence of conclusive functional and genetic evidence.